The following is an entry in ClinVar:

ClinVar aggregate classification (germline): Uncertain significance. Review status: criteria provided, single submitter (1 of 4 stars). 2 submissions from 2 submitters: Uncertain significance (1). 1 of the submissions does not count toward it. Last evaluated 2025-08-27.

Conditions:
PLXNA1-related disorder. Also called: PLXNA1-related condition.

Submissions (2):

Ambry Genetics
Classification: Uncertain significance. Last evaluated: 2025-08-27. Review status: criteria provided, single submitter. Criteria: Ambry Variant Classification Scheme 2023. Collection method: clinical testing. Allele origin: germline.

PreventionGenetics, part of Exact Sciences
Classification: Uncertain significance for PLXNA1-related condition. Last evaluated: 2024-05-12. Review status: no assertion criteria provided. Collection method: clinical testing. Allele origin: germline. Not counted in ClinVar's aggregate classification.
Comment: The PLXNA1 c.1862C>T variant is predicted to result in the amino acid substitution p.Ser621Phe. To our knowledge, this variant has not been reported in the literature. This variant is reported in 0.0082% of alleles in individuals of European (Non-Finnish) descent in gnomAD. At this time, the clinical significance of this variant is uncertain due to the absence of conclusive functional and genetic evidence.

NM_032242.4(PLXNA1):c.1862C>T (p.Ser621Phe)

Gene: PLXNA1 (plexin A1; plus strand). Cytogenetic location: 3q21.3.
Variant type: single nucleotide variant.
Coding change: c.1862C>T on transcript NM_032242.4 (MANE Select); coding-DNA position 1862, C replaced by T.
Protein change: p.Ser621Phe; replaces serine 621 with phenylalanine.
Molecular consequence: missense variant.
Genome position (GRCh38, 1-based): chr3:127,005,208, C>T. VCF-style: chr3-127005208-C-T. GRCh37 (hg19) VCF-style: chr3-126724051-C-T.
Other names: short protein forms S621F.
Identifiers: ClinVar variation 3354492 (VCV003354492.2).